The following is an entry in ClinVar:

NM_000444.6(PHEX):c.1862A>C (p.Gln621Pro)

Genes: PHEX (phosphate regulating endopeptidase X-linked; plus strand), PTCHD1-AS (PTCHD1 and PHEX antisense RNA; minus strand). Cytogenetic location: Xp22.11.
Variant type: single nucleotide variant.
Coding change: c.1862A>C on transcript NM_000444.6 (MANE Select); coding-DNA position 1862, A replaced by C.
Protein change: p.Gln621Pro; replaces glutamine 621 with proline.
Molecular consequence: missense variant.
Genome position (GRCh38, 1-based): chrX:22,221,706, A>C. VCF-style: chrX-22221706-A-C. GRCh37 (hg19) VCF-style: chrX-22239823-A-C.
Other names: c.1862A>C, p.Gln621Pro (NM_001282754.2); short protein forms Q621P.
Identifiers: ClinVar variation 803769 (VCV000803769.4), dbSNP rs1602405293, ClinGen allele CA412573835.

ClinVar aggregate classification (germline): Conflicting classifications of pathogenicity. Review status: criteria provided, conflicting classifications (1 of 4 stars). 2 submissions from 2 submitters: Likely pathogenic (1); Uncertain significance (1). Last evaluated 2023-06-21.

Conditions:
Familial X-linked hypophosphatemic vitamin D refractory rickets (XLHRD). Also called: HYPOPHOSPHATEMIC VITAMIN D-RESISTANT RICKETS; Hypophosphatemia, vitamin D-resistant rickets; Vitamin D-resistant rickets, X-linked; X-Linked Hypophosphatemia; Hypophosphatemic Rickets, X-Linked Dominant. Identifiers: Orphanet 89936, MedGen C0733682, MONDO:0010619, OMIM 307800.

Submissions (2):

Labcorp Genetics (formerly Invitae), Labcorp
Classification: Uncertain significance. Last evaluated: 2023-06-21. Review status: criteria provided, single submitter. Criteria: Invitae Variant Classification Sherloc (09022015). Collection method: clinical testing. Allele origin: germline.
Comment: ClinVar contains an entry for this variant (Variation ID: 803769). Advanced modeling of protein sequence and biophysical properties (such as structural, functional, and spatial information, amino acid conservation, physicochemical variation, residue mobility, and thermodynamic stability) performed at Invitae indicates that this missense variant is expected to disrupt PHEX protein function. This variant has not been reported in the literature in individuals affected with PHEX-related conditions. This variant is not present in population databases (gnomAD no frequency). In summary, the available evidence is currently insufficient to determine the role of this variant in disease. Therefore, it has been classified as a Variant of Uncertain Significance. This sequence change replaces glutamine, which is neutral and polar, with proline, which is neutral and non-polar, at codon 621 of the PHEX protein (p.Gln621Pro).

Mendelics
Classification: Likely pathogenic for Familial X-linked hypophosphatemic vitamin D refractory rickets. Last evaluated: 2019-05-28. Review status: criteria provided, single submitter. Criteria: Mendelics Assertion Criteria 2017. Collection method: clinical testing. Allele origin: unknown.